The following is an entry in ClinVar:

ClinVar aggregate classification (germline): Benign. Review status: criteria provided, multiple submitters, no conflicts (2 of 4 stars). 2 submissions from 2 submitters: Benign (2). Last evaluated 2018-06-14.

Allele frequency attached by ClinVar (database versions not stated): TOPMed 0.59558; gnomAD 0.59717; 1000 Genomes Project 0.58926; 1000 Genomes Project 30x 0.59681.
gnomAD v4.1: 89,337 of 152,134 alleles (59%); highest among the groups gnomAD compares: African/African-American, 82%; 27,883 homozygotes.

Submissions (2):

GeneDx
Classification: Benign. Last evaluated: 2018-06-14. Review status: criteria provided, single submitter. Criteria: GeneDx Variant Classification (06012015). Collection method: clinical testing. Allele origin: germline. Affected: yes.
Comment: This variant is considered likely benign or benign based on one or more of the following criteria: it is a conservative change, it occurs at a poorly conserved position in the protein, it is predicted to be benign by multiple in silico algorithms, and/or has population frequency not consistent with disease.

Breakthrough Genomics
Classification: Benign. Review status: criteria provided, single submitter. Criteria: ACMG Guidelines, 2015. Collection method: not provided. Allele origin: germline. Inheritance: Autosomal recessive inheritance. Affected: yes.

NM_133642.5(LARGE1):c.615+191A>G

Gene: LARGE1 (LARGE xylosyl- and glucuronyltransferase 1; minus strand). Cytogenetic location: 22q12.3.
Variant type: single nucleotide variant.
Coding change: c.615+191A>G on transcript NM_133642.5 (MANE Select); 191 bases into the intron after coding-DNA position 615, A replaced by G.
Molecular consequence: intron variant.
Genome position (GRCh38, 1-based): chr22:33,604,244, T>C on the plus strand (A>G on the coding strand, the complement: LARGE1 is on the minus strand). VCF-style: chr22-33604244-T-C. GRCh37 (hg19) VCF-style: chr22-34000230-T-C.
Other names: c.615+191A>G (NM_001362953.2, NM_001362949.2, NM_001378627.1 and 7 more transcripts).
Identifiers: ClinVar variation 683004 (VCV000683004.2), dbSNP rs695504, ClinGen allele CA14938952.
Genomic context (GRCh38, chr22:33,604,244, plus strand): 5'-AATGCTCTCCAGCGTCTCCAGAAAGCCTTGGTGGTCAAAACTCACAGACCAAAGTGGATT[T>C]TGTGCACTCAAAGGGGTTACTTTAATACTTCGATAATAAAATCAGATTCTGCTGGCAAAC-3'